The following is an entry in ClinVar:

ClinVar aggregate classification (germline): Uncertain significance (1 of 4 stars; one submission).

Allele frequency attached by ClinVar (database versions not stated): TOPMed 0.00001.

Submission:

GeneDx
Classification: Uncertain significance. Last evaluated: 2022-02-23. Review status: criteria provided, single submitter. Criteria: GeneDx Variant Classification Process June 2021. Collection method: clinical testing. Allele origin: germline. Affected: yes.
Comment: Not observed at significant frequency in large population cohorts (gnomAD); In silico analysis supports that this missense variant does not alter protein structure/function; Has not been previously published as pathogenic or benign to our knowledge

NM_015346.4(ZFYVE26):c.4304T>G (p.Val1435Gly)

Gene: ZFYVE26 (zinc finger FYVE-type containing 26; minus strand). Cytogenetic location: 14q24.1.
Variant type: single nucleotide variant.
Coding change: c.4304T>G on transcript NM_015346.4 (MANE Select); coding-DNA position 4304, T replaced by G.
Protein change: p.Val1435Gly; replaces valine 1435 with glycine.
Molecular consequence: missense variant.
Genome position (GRCh38, 1-based): chr14:67,782,848, A>C on the plus strand (T>G on the coding strand, the complement: ZFYVE26 is on the minus strand). VCF-style: chr14-67782848-A-C. GRCh37 (hg19) VCF-style: chr14-68249565-A-C.
Other names: short protein forms V1435G.
Identifiers: ClinVar variation 1703313 (VCV001703313.2), dbSNP rs2039537842, ClinGen allele CA390170191.